The following is an entry in ClinVar:

NM_000138.5(FBN1):c.7390G>A (p.Gly2464Arg)

Gene: FBN1 (fibrillin 1; minus strand). Cytogenetic location: 15q21.1.
Variant type: single nucleotide variant.
Coding change: c.7390G>A on transcript NM_000138.5 (MANE Select); coding-DNA position 7390, G replaced by A.
Protein change: p.Gly2464Arg; replaces glycine 2464 with arginine.
Molecular consequence: missense variant.
Genome position (GRCh38, 1-based): chr15:48,425,432, C>T on the plus strand (G>A on the coding strand, the complement: FBN1 is on the minus strand). VCF-style: chr15-48425432-C-T. GRCh37 (hg19) VCF-style: chr15-48717629-C-T.
Other names: c.7390G>A, p.Gly2464Arg (NM_001406716.1); short protein forms G2464R.
Identifiers: ClinVar variation 5019429 (VCV005019429.2).

ClinVar aggregate classification (germline): Uncertain significance (1 of 4 stars; one submission).

Conditions:
Geleophysic dysplasia 2 (GPHYSD2). Identifiers: Orphanet 2623, MedGen C3280054, MONDO:0013612, OMIM 614185.
MASS syndrome (OCTD). Also called: MASS PHENOTYPE; OVERLAP CONNECTIVE TISSUE DISEASE. Identifiers: MedGen C1858556, MONDO:0011431, OMIM 604308.
Progeroid and marfanoid aspect-lipodystrophy syndrome. Also called: MARFANOID-PROGEROID-LIPODYSTROPHY SYNDROME; MARFANOID-PROGEROID SYNDROME; MARFAN-PROGEROID-LIPODYSTROPHY SYNDROME; Marfan lipodystrophy syndrome. Identifiers: Orphanet 300382, MedGen C4310796, MONDO:0014831, OMIM 616914.
Weill-Marchesani syndrome 2, dominant. Also called: FBN1-Related Weill-Marchesani Syndrome; Weill-Marchesani Syndrome, Autosomal Dominant. Identifiers: Orphanet 2084, MedGen C1869115, MONDO:0012013, OMIM 608328.
Stiff skin syndrome (SSKS). Identifiers: Orphanet 2833, MedGen C1861456, MONDO:0008492, OMIM 184900.
Acromicric dysplasia (ACMICD). Also called: Acromicric skeletal dysplasia. Identifiers: Orphanet 969, MedGen C0265287, MONDO:0007055, OMIM 102370.
Marfan syndrome (MFS). Also called: MARFAN SYNDROME, TYPE I; Marfan syndrome type 1; Marfan's syndrome; FBN1-Related Marfan Syndrome; Marfan syndrome, classic. Identifiers: Orphanet 284963, Orphanet 558, MedGen C0024796, MONDO:0007947, OMIM 154700.
Ectopia lentis 1, isolated, autosomal dominant (ECTOL1). Identifiers: Orphanet 1885, MedGen C3541518, MONDO:0007514, OMIM 129600.

Submission:

Juno Genomics, Hangzhou Juno Genomics, Inc
Classification: Uncertain significance for Stiff skin syndrome; Weill-Marchesani syndrome 2, dominant; Acromicric dysplasia; Ectopia lentis 1, isolated, autosomal dominant; Geleophysic dysplasia 2; Progeroid and marfanoid aspect-lipodystrophy syndrome; Marfan syndrome; MASS syndrome. Review status: criteria provided, single submitter. Criteria: ACMG Guidelines, 2015. Collection method: clinical testing. Allele origin: germline.
Comment: Absent from controls (or at extremely low frequency if recessive) in Genome Aggregation Database.;Multiple lines of computational evidence support a deleterious effect on the gene or gene product.;Missense variant in a gene that has a low rate of benign missense variation.